The following is an entry in ClinVar:

NM_022095.4(ZNF335):c.3285G>C (p.Leu1095=)

Gene: ZNF335 (zinc finger protein 335; minus strand). Cytogenetic location: 20q13.12.
Variant type: single nucleotide variant.
Coding change: c.3285G>C on transcript NM_022095.4 (MANE Select); coding-DNA position 3285, G replaced by C.
Protein change: p.Leu1095=; no amino-acid change (leucine 1095 retained).
Molecular consequence: synonymous variant.
Genome position (GRCh38, 1-based): chr20:45,950,500, C>G on the plus strand (G>C on the coding strand, the complement: ZNF335 is on the minus strand). VCF-style: chr20-45950500-C-G. GRCh37 (hg19) VCF-style: chr20-44579139-C-G.
Identifiers: ClinVar variation 3610685 (VCV003610685.9).

ClinVar aggregate classification (germline): Likely benign. Review status: criteria provided, multiple submitters, no conflicts (2 of 4 stars). 2 submissions from 2 submitters: Likely benign (2). Last evaluated 2025-09-01.

gnomAD v4.1: 5 of 1,614,224 alleles (0.00031%); highest among the groups gnomAD compares: Admixed American, 0.0067%; no homozygotes.

Submissions (2):

CeGaT Center for Human Genetics Tuebingen
Classification: Likely benign. Last evaluated: 2025-09-01. Review status: criteria provided, single submitter. Criteria: CeGaT Center For Human Genetics Tuebingen Variant Classification Criteria Version 2. Collection method: clinical testing. Allele origin: germline. Affected: yes. Observed: 1 variant allele.
Comment: ZNF335: BP4, BP7

Labcorp Genetics (formerly Invitae), Labcorp
Classification: Likely benign. Last evaluated: 2024-02-20. Review status: criteria provided, single submitter. Criteria: Invitae Variant Classification Sherloc (09022015). Collection method: clinical testing. Allele origin: germline.